The following is an entry in ClinVar:

ClinVar aggregate classification (germline): Uncertain significance (1 of 4 stars; one submission).

Conditions:
Atrial fibrillation, familial, 6 (ATFB6). Identifiers: MedGen C2677294, MONDO:0012816, OMIM 612201.

gnomAD v4.1: 1 of 1,612,142 alleles (0.000062%); highest among the groups gnomAD compares: East Asian, 0.0022%; no homozygotes.

Submission:

Labcorp Genetics (formerly Invitae), Labcorp
Classification: Uncertain significance for Atrial fibrillation, familial, 6. Last evaluated: 2024-08-29. Review status: criteria provided, single submitter. Criteria: Invitae Variant Classification Sherloc (09022015). Collection method: clinical testing. Allele origin: germline.
Comment: This sequence change replaces lysine, which is basic and polar, with threonine, which is neutral and polar, at codon 114 of the NPPA protein (p.Lys114Thr). This variant is not present in population databases (gnomAD no frequency). This variant has not been reported in the literature in individuals affected with NPPA-related conditions. An algorithm developed to predict the effect of missense changes on protein structure and function (PolyPhen-2) suggests that this variant is likely to be disruptive. In summary, the available evidence is currently insufficient to determine the role of this variant in disease. Therefore, it has been classified as a Variant of Uncertain Significance.

NM_006172.4(NPPA):c.341A>C (p.Lys114Thr)

Genes: NPPA (natriuretic peptide A; minus strand), NPPA-AS1 (NPPA antisense RNA 1; plus strand), LOC114827827 (VISTA enhancer hs2123; plus strand). Cytogenetic location: 1p36.22.
Variant type: single nucleotide variant.
Coding change: c.341A>C on transcript NM_006172.4 (MANE Select); coding-DNA position 341, A replaced by C.
Protein change: p.Lys114Thr; replaces lysine 114 with threonine.
Molecular consequence: missense variant.
Genome position (GRCh38, 1-based): chr1:11,847,222, T>G on the plus strand (A>C on the coding strand, the complement: NPPA is on the minus strand). VCF-style: chr1-11847222-T-G. GRCh37 (hg19) VCF-style: chr1-11907279-T-G.
Other names: short protein forms K114T.
Identifiers: ClinVar variation 3630907 (VCV003630907.2).
Genomic context (GRCh38, chr1:11,847,222, plus strand): 5'-CTGCCCCCGAAGCAGCTGGATCTCCGCAGGCTCCGAGGGGCAGTGAGCAGCGCCCTCAGC[T>G]TGCTTTTTAGGAGGGCAGATCGATCAGAGGAGTCCCAGGGGCCCCGCCCGAGGGCACCTC-3'
Protein context (NP_006163.1, residues 104-124): SSDRSALLKS[Lys114Thr]LRALLTAPRS